The following is an entry in ClinVar:

ClinVar aggregate classification (germline): Conflicting classifications of pathogenicity. Review status: criteria provided, conflicting classifications (1 of 4 stars). 2 submissions from 2 submitters: Uncertain significance (1); Likely benign (1). Last evaluated 2025-06-10.

Allele frequency attached by ClinVar (database versions not stated): gnomAD 0.00001; TOPMed 0.00001.
gnomAD v4.1: 3 of 1,613,410 alleles (0.00019%); highest among the groups gnomAD compares: Non-Finnish European, 0.00025%; no homozygotes.

Submissions (2):

Labcorp Genetics (formerly Invitae), Labcorp
Classification: Likely benign. Last evaluated: 2025-06-10. Review status: criteria provided, single submitter. Criteria: Invitae Variant Classification Sherloc (09022015). Collection method: clinical testing. Allele origin: germline.

Women's Health and Genetics/Laboratory Corporation of America, LabCorp
Classification: Uncertain significance. Last evaluated: 2022-06-24. Review status: criteria provided, single submitter. Criteria: LabCorp Variant Classification Summary - May 2015. Collection method: clinical testing. Allele origin: germline.
Comment: Variant summary: NTRK2 c.1937+18G>C alters a non-conserved nucleotide located close to a canonical splice site and therefore could affect mRNA splicing, leading to a significantly altered protein sequence. 4/4 computational tools predict no significant impact on normal splicing. However, these predictions have yet to be confirmed by functional studies. The variant was absent in 250180 control chromosomes. The available data on variant occurrences in the general population are insufficient to allow any conclusion about variant significance. To our knowledge, no occurrence of c.1937+18G>C in individuals affected with Developmental And Epileptic Encephalopathy, 58/Obesity, hyperphagia, and developmental delay and no experimental evidence demonstrating its impact on protein function have been reported. No clinical diagnostic laboratories have submitted clinical-significance assessments for this variant to ClinVar after 2014. Based on the evidence outlined above, the variant was classified as uncertain significance.

NM_006180.6(NTRK2):c.1937+18G>C

Gene: NTRK2 (neurotrophic receptor tyrosine kinase 2; plus strand). Cytogenetic location: 9q21.33.
Variant type: single nucleotide variant.
Coding change: c.1937+18G>C on transcript NM_006180.6 (MANE Select); 18 bases into the intron after coding-DNA position 1937, G replaced by C.
Molecular consequence: intron variant.
Genome position (GRCh38, 1-based): chr9:84,948,652, G>C. VCF-style: chr9-84948652-G-C. GRCh37 (hg19) VCF-style: chr9-87563567-G-C.
Other names: c.1889+18G>C (NM_001369532.1, NM_001369533.1, NM_001018064.3); c.1853+18G>C (NM_001369534.1); c.1469+18G>C (NM_001369536.1); c.1421+18G>C (NM_001369535.1).
Identifiers: ClinVar variation 1698633 (VCV001698633.2), dbSNP rs201024551, ClinGen allele CA195814404.
Genomic context (GRCh38, chr9:84,948,652, plus strand): 5'-TCTTTGAGTACATGAAGCATGGGGACCTCAACAAGTTCCTCAGGTACAGTGAGGCGGGGA[G>C]GTGGGCTCCAGGAGGGAGCAGGCCTTCAGGGTTCAGGAGTGGAGGGTTCATGGGAGGGAA-3'